The following is an entry in ClinVar:

ClinVar aggregate classification (germline): Conflicting classifications of pathogenicity. Review status: criteria provided, conflicting classifications (1 of 4 stars). 4 submissions from 4 submitters: Uncertain significance (3); Likely benign (1). Last evaluated 2025-11-03.

Conditions:
Hereditary cancer-predisposing syndrome. Also called: Hereditary Cancer Syndrome; Neoplastic Syndromes, Hereditary; Hereditary neoplastic syndrome; Tumor predisposition. Identifiers: Orphanet 140162, MedGen C0027672, MeSH D009386, MONDO:0015356.
Breast-ovarian cancer, familial, susceptibility to, 2 (BROVCA2). Also called: BRCA2 Hereditary Breast and Ovarian Cancer. Identifiers: Orphanet 145, MedGen C2675520, MONDO:0012933, OMIM 612555. Disease mechanism: loss of function.

Submissions (4):

Color Diagnostics, LLC DBA Color Health
Classification: Uncertain significance for Hereditary cancer-predisposing syndrome. Last evaluated: 2025-11-03. Review status: criteria provided, single submitter. Criteria: ACMG Guidelines, 2015. Collection method: clinical testing. Allele origin: germline.
Comment: This missense variant replaces serine with cysteine at codon 344 of the BRCA2 protein. Computational prediction suggests that this variant may not impact protein structure and function. To our knowledge, functional studies have not been reported for this variant. This variant has not been reported in individuals affected with BRCA2-related disorders in the literature. This variant has not been identified in the general population by the Genome Aggregation Database (gnomAD). The available evidence is insufficient to determine the role of this variant in disease conclusively. Therefore, this variant is classified as a Variant of Uncertain Significance.

All of Us Research Program, National Institutes of Health
Classification: Uncertain significance for Breast-ovarian cancer, familial, susceptibility to, 2. Last evaluated: 2023-10-06. Review status: criteria provided, single submitter. Criteria: ACMG Guidelines, 2015. Collection method: clinical testing. Allele origin: germline. Inheritance: Autosomal dominant inheritance. Observed: 1 variant allele, 1 heterozygote.
Comment: This missense variant replaces serine with cysteine at codon 344 of the BRCA2 protein. Computational prediction suggests that this variant may not impact protein structure and function (internally defined REVEL score threshold <= 0.5, PMID: 27666373). To our knowledge, functional studies have not been reported for this variant. This variant has not been reported in individuals affected with BRCA2-related disorders in the literature. This variant has not been identified in the general population by the Genome Aggregation Database (gnomAD). The available evidence is insufficient to determine the role of this variant in disease conclusively. Therefore, this variant is classified as a Variant of Uncertain Significance.

This study involves interpretation of variants in research participants for the purpose of population health screening. Participant phenotype was not available at the time of variant classification. Additional details can be found in publication PMID: 35346344, PMCID: PMC8962531

University of Washington Department of Laboratory Medicine, University of Washington
Classification: Likely benign for Hereditary cancer-predisposing syndrome. Last evaluated: 2023-03-23. Review status: criteria provided, single submitter. Criteria: Dines et al. (Genet Med. 2020). Collection method: curation. Allele origin: germline.
Comment: Missense variant in a coldspot region where missense variants are very unlikely to be pathogenic (PMID:31911673).

BRCA2 exon 10 coldspot. Reclassification based on statistical prior probability.

Ambry Genetics
Classification: Uncertain significance for Hereditary cancer-predisposing syndrome. Last evaluated: 2021-08-19. Review status: criteria provided, single submitter. Criteria: Ambry Variant Classification Scheme 2023. Collection method: clinical testing. Allele origin: germline.
Comment: The p.S344C variant (also known as c.1031C>G), located in coding exon 9 of the BRCA2 gene, results from a C to G substitution at nucleotide position 1031. The serine at codon 344 is replaced by cysteine, an amino acid with dissimilar properties. This amino acid position is poorly conserved in available vertebrate species. In addition, this alteration is predicted to be tolerated by in silico analysis. Since supporting evidence is limited at this time, the clinical significance of this alteration remains unclear.

NM_000059.4(BRCA2):c.1031C>G (p.Ser344Cys)

Gene: BRCA2 (BRCA2 DNA repair associated; plus strand). Cytogenetic location: 13q13.1.
Variant type: single nucleotide variant.
Coding change: c.1031C>G on transcript NM_000059.4 (MANE Select); coding-DNA position 1031, C replaced by G.
Protein change: p.Ser344Cys; replaces serine 344 with cysteine.
Molecular consequence: missense variant.
Genome position (GRCh38, 1-based): chr13:32,332,509, C>G. VCF-style: chr13-32332509-C-G. GRCh37 (hg19) VCF-style: chr13-32906646-C-G.
Other names: short protein forms S344C.
Identifiers: ClinVar variation 818279 (VCV000818279.8), dbSNP rs1593891776, ClinGen allele CA387761170.